The following is an entry in ClinVar:

ClinVar aggregate classification (germline): Pathogenic. Review status: reviewed by expert panel (3 of 4 stars). 3 submissions from 3 submitters: Pathogenic (1). 2 of the submissions do not count toward it. Last evaluated 2026-10-30.

Conditions:
RPGR-related retinopathy. Also called: RPGR retinopathy. Identifiers: MedGen CN305589, MONDO:0100437.
RPGR-related disorder. Also called: RPGR-related condition.

Submissions (4):

ClinGen X-linked Inherited Retinal Disease Variant Curation Expert Panel, ClinGen
Classification: Pathogenic for RPGR-related retinopathy. Last evaluated: 2026-10-30. Review status: reviewed by expert panel. Criteria: ClinGen X LinkedIRD ACMG Specifications RPGR V1.0.0. Collection method: curation. Allele origin: germline. Inheritance: X-linked inheritance.
Comment: NM_001034853.2(RPGR):c.492G>A (p.Trp164Ter) is a nonsense variant at amino acid 164, resulting in a premature stop codon in exon 6 of 15, which is predicted to disrupt a critical C-terminal region required for proper glutamylation of RPGR (PVS1, PMID: 36445968). This variant is absent from hemizygous individuals in gnomAD v4.1.2 (PM2_Supporting). At least one proband harboring this variant exhibits a phenotype including childhood onset (1 pt), rod-cone amplitude in electroretinogram (1 pt), visual field constrictions (0.5 pts), and family history consistent with X-linked inheritance (2 pts), which together are specific for RPGR-related retinopathy (4.5 points, PMID: 23681342, PP4). This variant has been reported in at least four probands meeting the PS4 requirement of some functional vision impairment in affected males by age 30 years, with decreased or absent cone and/or rod electroretinogram responses (PMID: 23681342). However, all probands were reported in the same paper, and the author did not mention the probands' family relations. PS4_Supporting requires at least 2 unrelated probands, so this criterion was not met. The variant has been reported to segregate through at least 3 meioses in one family (PP1_Moderate; PMID: 9399904). In summary, this variant is classified as Pathogenic for RPGR-related retinopathy based on the ClinGen X-linked Inherited Retinal Disease Expert Panel Specifications to the ACMG/AMP Variant Interpretation Guidelines for RPGR Version 1.0.0: PVS1, PM2_Supporting, PP4, and PP1_Moderate.

Blueprint Genetics
Classification: Pathogenic for RPGR-related disorders. Last evaluated: 2020-04-24. Review status: criteria provided, single submitter. Criteria: ACMG Guidelines, 2015. Collection method: clinical testing. Allele origin: germline. Affected: yes. Observed: 3 variant alleles. Not counted in ClinVar's aggregate classification.

Dr. Peter K. Rogan Lab, Western University
No classification provided (evidence only). Condition: Nonpapillary renal cell carcinoma. Review status: no classification provided. Collection method: in vitro. Allele origin: not applicable. Functional consequence: retained intron. Not counted in ClinVar's aggregate classification.

Retina International
No classification provided. Review status: no classification provided. Collection method: not provided. Allele origin: not provided. Not counted in ClinVar's aggregate classification.

NM_001034853.2(RPGR):c.492G>A (p.Trp164Ter)

Gene: RPGR (retinitis pigmentosa GTPase regulator; minus strand). Cytogenetic location: Xp11.4.
Variant type: single nucleotide variant.
Coding change: c.492G>A on transcript NM_001034853.2 (MANE Select); coding-DNA position 492, G replaced by A.
Protein change: p.Trp164Ter; replaces tryptophan 164 with a stop codon.
Molecular consequence: nonsense. On other transcripts: non-coding transcript variant (6).
Genome position (GRCh38, 1-based): chrX:38,317,443, C>T on the plus strand (G>A on the coding strand, the complement: RPGR is on the minus strand). VCF-style: chrX-38317443-C-T. GRCh37 (hg19) VCF-style: chrX-38176696-C-T.
Other names: NC_000023.10:g.38176696C>T; c.492G>A, p.Trp164Ter (NM_000328.3, NM_001367245.1, NM_001367246.1 and 3 more transcripts); c.522G>A, p.Trp174Ter (NM_001367248.1); c.489G>A, p.Trp163Ter (NM_001367249.1); short protein forms W164*, W163*, W174*.
Identifiers: ClinVar variation 98789 (VCV000098789.5), dbSNP rs62638648, ClinGen allele CA226425.